The following is an entry in ClinVar:

ClinVar aggregate classification (germline): Likely pathogenic (1 of 4 stars; one submission).

Submission:

GeneDx
Classification: Likely pathogenic. Last evaluated: 2019-10-18. Review status: criteria provided, single submitter. Criteria: GeneDx Variant Classification Process June 2021. Collection method: clinical testing. Allele origin: germline. Affected: yes.
Comment: Has not been previously published as pathogenic or benign to our knowledge; Not observed in large population cohorts (Lek et al., 2016); Frameshift variant predicted to result in protein truncation or nonsense mediated decay in a gene for which loss-of-function is a known mechanism of disease; Located in the A-band region of titin, where the majority of truncating pathogenic variants associated with DCM have been reported (Herman et al., 2012)

NM_001267550.2(TTN):c.87247del (p.Val29083fs)

Genes: TTN (titin; minus strand), TTN-AS1 (TTN antisense RNA 1; plus strand). Cytogenetic location: 2q31.2.
Variant type: Deletion.
Coding change: c.87247del on transcript NM_001267550.2 (MANE Select); coding-DNA position 87247, one base deleted (G; older notation c.87247delG).
Protein change: p.Val29083fs; shifts the reading frame from valine 29083.
Molecular consequence: frameshift variant.
Genome position (GRCh38, 1-based): chr2:178,558,107, C deleted on the plus strand (G on the coding strand, the reverse complement: TTN is on the minus strand). VCF-style (leftmost placement, unchanged base first): chr2-178558106-AC-A. GRCh37 (hg19) VCF-style: chr2-179422833-AC-A.
Other names: c.82324delG (NM_001256850.1); c.82324del, p.Val27442fs (NM_001256850.1); c.60052del, p.Val20018fs (NM_003319.4); c.79543del, p.Val26515fs (NM_133378.4); c.60427del, p.Val20143fs (NM_133432.3); c.60628del, p.Val20210fs (NM_133437.4); short protein forms V29083fs, V20143fs, V20210fs, V26515fs, V27442fs, V20018fs.
Identifiers: ClinVar variation 545947 (VCV000545947.4), dbSNP rs1553555919, ClinGen allele CA658822112.